The following is an entry in ClinVar:

ClinVar aggregate classification (germline): Uncertain significance (1 of 4 stars; one submission).

gnomAD v4.1: 3 of 1,614,114 alleles (0.00019%); highest among the groups gnomAD compares: Non-Finnish European, 0.00025%; no homozygotes.

Submission:

GeneDx
Classification: Uncertain significance. Last evaluated: 2024-01-24. Review status: criteria provided, single submitter. Criteria: GeneDx Variant Classification Process June 2021. Collection method: clinical testing. Allele origin: germline. Affected: yes.
Comment: Not observed at significant frequency in large population cohorts (gnomAD); In silico analysis supports that this missense variant does not alter protein structure/function; Has not been previously published as pathogenic or benign to our knowledge

NM_001378454.1(ALMS1):c.5668A>G (p.Ile1890Val)

Gene: ALMS1 (ALMS1 centrosome and basal body associated protein; plus strand). Cytogenetic location: 2p13.1.
Variant type: single nucleotide variant.
Coding change: c.5668A>G on transcript NM_001378454.1 (MANE Select); coding-DNA position 5668, A replaced by G.
Protein change: p.Ile1890Val; replaces isoleucine 1890 with valine.
Molecular consequence: missense variant.
Genome position (GRCh38, 1-based): chr2:73,452,195, A>G. VCF-style: chr2-73452195-A-G. GRCh37 (hg19) VCF-style: chr2-73679322-A-G.
Other names: c.5671A>G, p.Ile1891Val (NM_015120.4); short protein forms I1890V, I1891V.
Identifiers: ClinVar variation 3368038 (VCV003368038.1).